The following is an entry in ClinVar:

NM_001384140.1(PCDH15):c.4193G>A (p.Ser1398Asn)

Gene: PCDH15 (protocadherin related 15; minus strand). Cytogenetic location: 10q21.1.
Variant type: single nucleotide variant.
Coding change: c.4193G>A on transcript NM_001384140.1 (MANE Select); coding-DNA position 4193, G replaced by A.
Protein change: p.Ser1398Asn; replaces serine 1398 with asparagine.
Molecular consequence: missense variant.
Genome position (GRCh38, 1-based): chr10:53,831,324, C>T on the plus strand (G>A on the coding strand, the complement: PCDH15 is on the minus strand). VCF-style: chr10-53831324-C-T. GRCh37 (hg19) VCF-style: chr10-55591084-C-T.
Other names: c.4208G>A, p.Ser1403Asn (NM_001142763.2, NM_001142771.2); c.4193G>A, p.Ser1398Asn (NM_001142764.2, NM_001142766.2, NM_001142770.3 and 4 more transcripts); c.3980G>A, p.Ser1327Asn (NM_001142765.2); c.4082G>A, p.Ser1361Asn (NM_001142767.2); c.4127G>A, p.Ser1376Asn (NM_001142768.2, NM_001142773.2, NM_001354404.2); c.4229G>A, p.Ser1410Asn (NM_001142769.4); c.4214G>A, p.Ser1405Asn (NM_001354411.2); short protein forms S1361N, S1403N, S1327N, S1398N, S1410N, S1376N, S1405N.
Identifiers: ClinVar variation 1487992 (VCV001487992.5), dbSNP rs2132634589, ClinGen allele CA376528188.

ClinVar aggregate classification (germline): Uncertain significance (1 of 4 stars; one submission).

Submission:

Labcorp Genetics (formerly Invitae), Labcorp
Classification: Uncertain significance. Last evaluated: 2021-08-31. Review status: criteria provided, single submitter. Criteria: Invitae Variant Classification Sherloc (09022015). Collection method: clinical testing. Allele origin: germline.
Comment: This sequence change replaces serine with asparagine at codon 1398 of the PCDH15 protein (p.Ser1398Asn). The serine residue is highly conserved and there is a small physicochemical difference between serine and asparagine. This variant is not present in population databases (ExAC no frequency). This variant has not been reported in the literature in individuals affected with PCDH15-related conditions. Algorithms developed to predict the effect of missense changes on protein structure and function are either unavailable or do not agree on the potential impact of this missense change (SIFT: "Tolerated"; PolyPhen-2: "Possibly Damaging"; Align-GVGD: "Class C0"). In summary, the available evidence is currently insufficient to determine the role of this variant in disease. Therefore, it has been classified as a Variant of Uncertain Significance.